The following is an entry in ClinVar:

ClinVar aggregate classification (germline): Uncertain significance (1 of 4 stars; one submission).

Submission:

Ambry Genetics
Classification: Uncertain significance. Last evaluated: 2022-10-30. Review status: criteria provided, single submitter. Criteria: Ambry Variant Classification Scheme 2023. Collection method: clinical testing. Allele origin: germline.
Comment: The p.T2428I variant (also known as c.7283C>T), located in coding exon 27 of the POLQ gene, results from a C to T substitution at nucleotide position 7283. The threonine at codon 2428 is replaced by isoleucine, an amino acid with similar properties. This amino acid position is conserved. In addition, this alteration is predicted to be tolerated by in silico analysis. Since supporting evidence is limited at this time, the clinical significance of this alteration remains unclear.

NM_199420.4(POLQ):c.7283C>T (p.Thr2428Ile)

Gene: POLQ (DNA polymerase theta; minus strand). Cytogenetic location: 3q13.33.
Variant type: single nucleotide variant.
Coding change: c.7283C>T on transcript NM_199420.4 (MANE Select); coding-DNA position 7283, C replaced by T.
Protein change: p.Thr2428Ile; replaces threonine 2428 with isoleucine.
Molecular consequence: missense variant.
Genome position (GRCh38, 1-based): chr3:121,440,098, G>A on the plus strand (C>T on the coding strand, the complement: POLQ is on the minus strand). VCF-style: chr3-121440098-G-A. GRCh37 (hg19) VCF-style: chr3-121158945-G-A.
Other names: short protein forms T2428I.
Identifiers: ClinVar variation 1758074 (VCV001758074.2), dbSNP rs2546749967, ClinGen allele CA354098849.